The following is an entry in ClinVar:

NM_000157.4(GBA1):c.404T>C (p.Leu135Pro)

Genes: GBA1 (glucosylceramidase beta 1; minus strand), LOC106627981 (GBA recombination region; plus strand). Cytogenetic location: 1q22.
Variant type: single nucleotide variant.
Coding change: c.404T>C on transcript NM_000157.4 (MANE Select); coding-DNA position 404, T replaced by C.
Protein change: p.Leu135Pro; replaces leucine 135 with proline.
Molecular consequence: missense variant. On other transcripts: intron variant (1).
Genome position (GRCh38, 1-based): chr1:155,239,666, A>G on the plus strand (T>C on the coding strand, the complement: GBA1 is on the minus strand). VCF-style: chr1-155239666-A-G. GRCh37 (hg19) VCF-style: chr1-155209457-A-G.
Other names: c.404T>C, p.Leu135Pro (NM_001005741.3, NM_001005742.3); c.143T>C, p.Leu48Pro (NM_001171811.2); c.307+220T>C (NM_001171812.2); short protein forms L135P, L48P.
Identifiers: ClinVar variation 4817758 (VCV004817758.1).

ClinVar aggregate classification (germline): Likely pathogenic (1 of 4 stars; one submission).

Conditions:
Gaucher disease. Also called: Acute cerebral Gaucher disease; Cerebroside lipidosis syndrome; Gaucher splenomegaly; Sphingolipidosis 1; Glucocerebrosidosis; Glucosylceramidase deficiency. Identifiers: Orphanet 355, MedGen C0017205, MONDO:0018150.

Submission:

Natera, Inc.
Classification: Likely pathogenic for Gaucher disease. Last evaluated: 2026-01-25. Review status: criteria provided, single submitter. Criteria: Natera Variant Classification Schema (03/2026). Collection method: clinical testing. Allele origin: germline.
Comment: The c.404T>C variant in GBA1 is a missense variant predicted to cause substitution of leucine to proline at amino acid 135. This variant is rare in the general population with a frequency below the threshold expected for the associated phenotype(s). This variant has been observed in one or more individuals affected with the associated recessive disease, as either homozygous or compound heterozygous with a second variant (PMID: 25946768, 27865684). Functional studies show that this variant may disrupt protein function (PMID: 27865684). Computational prediction algorithms indicate this variant is likely to affect gene or protein function. Given the available evidence, this variant is classified as Likely Pathogenic.

Literature cited by the submitters: PubMed 25946768; PubMed 27865684.